The following is an entry in ClinVar:

ClinVar aggregate classification (germline): Pathogenic (1 of 4 stars; one submission).

Conditions:
Hereditary cancer-predisposing syndrome. Also called: Neoplastic Syndromes, Hereditary; Tumor predisposition; Hereditary Cancer Syndrome; Hereditary neoplastic syndrome. Identifiers: Orphanet 140162, MedGen C0027672, MeSH D009386, MONDO:0015356.

Submission:

Ambry Genetics
Classification: Pathogenic for Hereditary cancer-predisposing syndrome. Last evaluated: 2026-03-03. Review status: criteria provided, single submitter. Criteria: Ambry Variant Classification Scheme 2023. Collection method: clinical testing. Allele origin: germline.
Comment: The c.3072dupG pathogenic mutation, located in coding exon 4 of the MSH6 gene, results from a duplication of G at nucleotide position 3072, causing a translational frameshift with a predicted alternate stop codon (p.R1025Efs*15). This variant is considered to be rare based on population cohorts in the Genome Aggregation Database (gnomAD). This alteration is expected to result in loss of function by premature protein truncation or nonsense-mediated mRNA decay. As such, this alteration is interpreted as a disease-causing mutation.

NM_000179.3(MSH6):c.3072dup (p.Arg1025fs)

Gene: MSH6 (mutS homolog 6; plus strand). Cytogenetic location: 2p16.3.
Variant type: Duplication.
Coding change: c.3072dup on transcript NM_000179.3 (MANE Select); coding-DNA position 3072, one base duplicated (G; older notation c.3072dupG).
Protein change: p.Arg1025fs; shifts the reading frame from arginine 1025.
Molecular consequence: frameshift variant. On other transcripts: non-coding transcript variant (5), intron variant (2).
Genome position (GRCh38, 1-based): chr2:47,801,055, G duplicated; the last of 2 consecutive G bases (chr2:47,801,054-47,801,055); duplicating either gives the same sequence. VCF-style (leftmost placement, unchanged base first): chr2-47801053-C-CG. GRCh37 (hg19) VCF-style: chr2-48028192-C-CG.
Other names: c.3072dupG (NM_000179.2); c.2682dup, p.Arg895fs (NM_001281492.2); c.2166dup, p.Arg723fs (NM_001281493.2, NM_001281494.2, NM_001406811.1 and 6 more transcripts); c.3168dup, p.Arg1057fs (NM_001406795.1, NM_001406802.1); c.3072dup, p.Arg1025fs (NM_001406796.1, NM_001406798.1, NM_001406800.1 and 2 more transcripts); c.2775dup, p.Arg926fs (NM_001406797.1, NM_001406801.1, NM_001406805.1 and 10 more transcripts); c.2547dup, p.Arg850fs (NM_001406799.1, NM_001406806.1, NM_001406807.1); c.2994dup, p.Arg999fs (NM_001406804.1); and 5 more; short protein forms R340fs, R850fs, R926fs, R969fs, R999fs, R1025fs, R1057fs, R895fs.
Identifiers: ClinVar variation 4827450 (VCV004827450.1).